The following is an entry in ClinVar:

NM_024642.5(GALNT12):c.713T>C (p.Leu238Pro)

Gene: GALNT12 (polypeptide N-acetylgalactosaminyltransferase 12; plus strand). Cytogenetic location: 9q22.33.
Variant type: single nucleotide variant.
Coding change: c.713T>C on transcript NM_024642.5 (MANE Select); coding-DNA position 713, T replaced by C.
Protein change: p.Leu238Pro; replaces leucine 238 with proline.
Molecular consequence: missense variant.
Genome position (GRCh38, 1-based): chr9:98,826,923, T>C. VCF-style: chr9-98826923-T-C. GRCh37 (hg19) VCF-style: chr9-101589205-T-C.
Other names: short protein forms L238P.
Identifiers: ClinVar variation 826864 (VCV000826864.7), dbSNP rs755708201, ClinGen allele CA374217833.

ClinVar aggregate classification (germline): Uncertain significance. Review status: criteria provided, multiple submitters, no conflicts (2 of 4 stars). 2 submissions from 2 submitters: Uncertain significance (2). Last evaluated 2024-06-02.

Allele frequency attached by ClinVar (database versions not stated): gnomAD exomes below 0.00001.
gnomAD v4.1: 1 of 1,564,858 alleles (0.000064%); no homozygotes.

Submissions (2):

Labcorp Genetics (formerly Invitae), Labcorp
Classification: Uncertain significance. Last evaluated: 2024-06-02. Review status: criteria provided, single submitter. Criteria: Invitae Variant Classification Sherloc (09022015). Collection method: clinical testing. Allele origin: germline.
Comment: This sequence change replaces leucine, which is neutral and non-polar, with proline, which is neutral and non-polar, at codon 238 of the GALNT12 protein (p.Leu238Pro). This variant is not present in population databases (gnomAD no frequency). This variant has not been reported in the literature in individuals affected with GALNT12-related conditions. ClinVar contains an entry for this variant (Variation ID: 826864). Advanced modeling of protein sequence and biophysical properties (such as structural, functional, and spatial information, amino acid conservation, physicochemical variation, residue mobility, and thermodynamic stability) performed at Invitae indicates that this missense variant is expected to disrupt GALNT12 protein function with a positive predictive value of 80%. In summary, the available evidence is currently insufficient to determine the role of this variant in disease. Therefore, it has been classified as a Variant of Uncertain Significance.

Ambry Genetics
Classification: Uncertain significance. Last evaluated: 2023-07-01. Review status: criteria provided, single submitter. Criteria: Ambry Variant Classification Scheme 2023. Collection method: clinical testing. Allele origin: germline.
Comment: The p.L238P variant (also known as c.713T>C), located in coding exon 3 of the GALNT12 gene, results from a T to C substitution at nucleotide position 713. The leucine at codon 238 is replaced by proline, an amino acid with similar properties. This amino acid position is highly conserved in available vertebrate species. In addition, this alteration is predicted to be deleterious by in silico analysis. Since supporting evidence is limited at this time, the clinical significance of this alteration remains unclear.